The following is an entry in ClinVar:

NM_001288705.3(CSF1R):c.2121A>G (p.Lys707=)

Gene: CSF1R (colony stimulating factor 1 receptor; minus strand). Cytogenetic location: 5q32.
Variant type: single nucleotide variant.
Coding change: c.2121A>G on transcript NM_001288705.3 (MANE Select); coding-DNA position 2121, A replaced by G.
Protein change: p.Lys707=; no amino-acid change (lysine 707 retained).
Molecular consequence: synonymous variant.
Genome position (GRCh38, 1-based): chr5:150,059,711, T>C on the plus strand (A>G on the coding strand, the complement: CSF1R is on the minus strand). VCF-style: chr5-150059711-T-C. GRCh37 (hg19) VCF-style: chr5-149439274-T-C.
Other names: c.2121A>G, p.Lys707= (NM_001349736.2, NM_001375320.1, NM_005211.4); c.1677A>G, p.Lys559= (NM_001375321.1).
Identifiers: ClinVar variation 5036971 (VCV005036971.1).

ClinVar aggregate classification (germline): Uncertain significance (1 of 4 stars; one submission).

gnomAD v4.1: 2 of 1,613,892 alleles (0.00012%); highest among the groups gnomAD compares: Non-Finnish European, 0.00017%; no homozygotes.

Submission:

GeneDx
Classification: Uncertain significance. Last evaluated: 2026-04-20. Review status: criteria provided, single submitter. Criteria: GeneDx Variant Classification Process June 2021. Collection method: clinical testing. Allele origin: germline.
Comment: Not observed at significant frequency in large population cohorts (gnomAD); In silico analysis supports a deleterious effect on splicing; Has not been previously published as pathogenic or benign to our knowledge